The following is an entry in ClinVar:

ClinVar aggregate classification (germline): Conflicting classifications of pathogenicity. Review status: criteria provided, conflicting classifications (1 of 4 stars). 2 submissions from 2 submitters: Uncertain significance (1); Likely benign (1). Last evaluated 2025-11-01.

Conditions:
Inborn genetic diseases. Identifiers: MedGen C0950123, MeSH D030342.

gnomAD v4.1: 1 of 1,614,220 alleles (0.000062%); no homozygotes.

Submissions (2):

CeGaT Center for Human Genetics Tuebingen
Classification: Likely benign. Last evaluated: 2025-11-01. Review status: criteria provided, single submitter. Criteria: CeGaT Center For Human Genetics Tuebingen Variant Classification Criteria Version 2. Collection method: clinical testing. Allele origin: germline. Affected: yes. Observed: 1 variant allele.
Comment: EP300: BP4

Ambry Genetics
Classification: Uncertain significance for Inborn genetic diseases. Last evaluated: 2025-03-31. Review status: criteria provided, single submitter. Criteria: Ambry Variant Classification Scheme 2023. Collection method: clinical testing. Allele origin: germline.

NM_001429.4(EP300):c.926A>C (p.Gln309Pro)

Gene: EP300 (EP300 lysine acetyltransferase; plus strand). Cytogenetic location: 22q13.2.
Variant type: single nucleotide variant.
Coding change: c.926A>C on transcript NM_001429.4 (MANE Select); coding-DNA position 926, A replaced by C.
Protein change: p.Gln309Pro; replaces glutamine 309 with proline.
Molecular consequence: missense variant.
Genome position (GRCh38, 1-based): chr22:41,127,506, A>C. VCF-style: chr22-41127506-A-C. GRCh37 (hg19) VCF-style: chr22-41523510-A-C.
Other names: c.926A>C, p.Gln309Pro (NM_001362843.2); short protein forms Q309P.
Identifiers: ClinVar variation 4018325 (VCV004018325.7).